The following is an entry in ClinVar:

ClinVar aggregate classification (germline): Benign. Review status: criteria provided, multiple submitters, no conflicts (2 of 4 stars). 2 submissions from 2 submitters: Benign (2). Last evaluated 2018-06-20.

Allele frequency attached by ClinVar (database versions not stated): gnomAD exomes 0.47547 and 0.47986; ExAC 0.48239; ESP Exome Variant Server 0.48415; 1000 Genomes Project 0.48742; 1000 Genomes Project 30x 0.48860; gnomAD 0.49141 and 0.49372; TOPMed 0.49288.

Submissions (2):

GeneDx
Classification: Benign. Last evaluated: 2018-06-20. Review status: criteria provided, single submitter. Criteria: GeneDx Variant Classification (06012015). Collection method: clinical testing. Allele origin: germline. Affected: yes.
Comment: This variant is considered likely benign or benign based on one or more of the following criteria: it is a conservative change, it occurs at a poorly conserved position in the protein, it is predicted to be benign by multiple in silico algorithms, and/or has population frequency not consistent with disease.

Breakthrough Genomics
Classification: Benign. Review status: criteria provided, single submitter. Criteria: ACMG Guidelines, 2015. Collection method: not provided. Allele origin: germline. Inheritance: Unknown mechanism. Affected: yes.

NM_002907.4(RECQL):c.950-33A>G

Gene: RECQL (RecQ like helicase; minus strand). Cytogenetic location: 12p12.1.
Variant type: single nucleotide variant.
Coding change: c.950-33A>G on transcript NM_002907.4 (MANE Select); 33 bases into the intron before coding-DNA position 950, A replaced by G.
Molecular consequence: intron variant.
Genome position (GRCh38, 1-based): chr12:21,475,857, T>C on the plus strand (A>G on the coding strand, the complement: RECQL is on the minus strand). VCF-style: chr12-21475857-T-C. GRCh37 (hg19) VCF-style: chr12-21628791-T-C.
Other names: c.950-33A>G (NM_032941.3).
Identifiers: ClinVar variation 679686 (VCV000679686.2), dbSNP rs3752648, ClinGen allele CA6478901.
Genomic context (GRCh38, chr12:21,475,857, plus strand): 5'-TCTTTCTGAGAAAAACAATATATGATTCCTGCAGTAAAATATGTGCATTTGTTAGATAGA[T>C]ATGGCATATTCCTGGAAGATGGTTTTCAACACACACATTCAGGACATTGATTAATACAAT-3'